The following is an entry in ClinVar:

NM_021147.5(CCNO):c.323T>G (p.Phe108Cys)

Gene: CCNO (cyclin O; minus strand). Cytogenetic location: 5q11.2.
Variant type: single nucleotide variant.
Coding change: c.323T>G on transcript NM_021147.5 (MANE Select); coding-DNA position 323, T replaced by G.
Protein change: p.Phe108Cys; replaces phenylalanine 108 with cysteine.
Molecular consequence: missense variant. On other transcripts: non-coding transcript variant (2).
Genome position (GRCh38, 1-based): chr5:55,233,201, A>C on the plus strand (T>G on the coding strand, the complement: CCNO is on the minus strand). VCF-style: chr5-55233201-A-C. GRCh37 (hg19) VCF-style: chr5-54529029-A-C.
Other names: short protein forms F108C.
Identifiers: ClinVar variation 5036980 (VCV005036980.1).

ClinVar aggregate classification (germline): Uncertain significance (1 of 4 stars; one submission).

Submission:

GeneDx
Classification: Uncertain significance. Last evaluated: 2026-04-11. Review status: criteria provided, single submitter. Criteria: GeneDx Variant Classification Process June 2021. Collection method: clinical testing. Allele origin: germline.
Comment: Not observed at significant frequency in large population cohorts (gnomAD); In silico analysis supports that this missense variant has a deleterious effect on protein structure/function; Has not been previously published as pathogenic or benign to our knowledge